The following is an entry in ClinVar:

ClinVar aggregate classification (germline): Conflicting classifications of pathogenicity. Review status: criteria provided, conflicting classifications (1 of 4 stars). 2 submissions from 2 submitters: Uncertain significance (1); Likely benign (1). Last evaluated 2023-01-27.

Conditions:
Long QT syndrome (LQTS). Identifiers: MedGen C0023976, MeSH D008133, MONDO:0002442. Disease mechanism: loss of function. Inheritance: Various modes of inheritance.
Cardiovascular phenotype. Identifiers: MedGen CN230736.

Allele frequency attached by ClinVar (database versions not stated): TOPMed below 0.00001; gnomAD 0.00001; gnomAD exomes 0.00001; ExAC 0.00003.
gnomAD v4.1: 10 of 1,613,856 alleles (0.00062%); highest among the groups gnomAD compares: Middle Eastern, 0.016%; 1 homozygote.

Submissions (2):

Labcorp Genetics (formerly Invitae), Labcorp
Classification: Uncertain significance for Long QT syndrome. Last evaluated: 2023-01-27. Review status: criteria provided, single submitter. Criteria: Invitae Variant Classification Sherloc (09022015). Collection method: clinical testing. Allele origin: germline.
Comment: This sequence change replaces isoleucine, which is neutral and non-polar, with threonine, which is neutral and polar, at codon 1600 of the ANK2 protein (p.Ile1600Thr). This variant is present in population databases (rs764150279, gnomAD 0.004%). This missense change has been observed in individual(s) with ANK2-related conditions (PMID: 30975432). ClinVar contains an entry for this variant (Variation ID: 1743145). Advanced modeling of protein sequence and biophysical properties (such as structural, functional, and spatial information, amino acid conservation, physicochemical variation, residue mobility, and thermodynamic stability) performed at Invitae indicates that this missense variant is not expected to disrupt ANK2 protein function. In summary, the available evidence is currently insufficient to determine the role of this variant in disease. Therefore, it has been classified as a Variant of Uncertain Significance.

Ambry Genetics
Classification: Likely benign for Cardiovascular phenotype. Last evaluated: 2021-04-20. Review status: criteria provided, single submitter. Criteria: Ambry Variant Classification Scheme 2023. Collection method: clinical testing. Allele origin: germline.

Literature cited by the submitters: PubMed 30975432 (cited by Labcorp Genetics (formerly Invitae), Labcorp and Ambry Genetics).

NM_001148.6(ANK2):c.4799T>C (p.Ile1600Thr)

Gene: ANK2 (ankyrin 2; plus strand). Cytogenetic location: 4q26.
Variant type: single nucleotide variant.
Coding change: c.4799T>C on transcript NM_001148.6 (MANE Select); coding-DNA position 4799, T replaced by C.
Protein change: p.Ile1600Thr; replaces isoleucine 1600 with threonine.
Molecular consequence: missense variant. On other transcripts: intron variant (68).
Genome position (GRCh38, 1-based): chr4:113,353,417, T>C. VCF-style: chr4-113353417-T-C. GRCh37 (hg19) VCF-style: chr4-114274573-T-C.
Other names: c.4565T>C, p.Ile1522Thr (NM_001386142.1); c.1199T>C, p.Ile400Thr (NM_001386166.1); c.4940T>C, p.Ile1647Thr (NM_001386174.1); c.4916T>C, p.Ile1639Thr (NM_001386175.1); c.4411+3168T>C (NM_001386186.2, NM_001386148.2); c.4213+3168T>C (NM_001354269.3); c.4291+3168T>C (NM_001386187.2); c.4252+3168T>C (NM_001386147.1); and 35 more; short protein forms I1600T, I1522T, I1639T, I400T, I1647T.
Identifiers: ClinVar variation 1743145 (VCV001743145.5), dbSNP rs764150279, ClinGen allele CA3051144.